The following is an entry in ClinVar:

NM_001004334.4(GPR179):c.61G>C (p.Val21Leu)

Gene: GPR179 (G protein-coupled receptor 179; minus strand). Cytogenetic location: 17q12.
Variant type: single nucleotide variant.
Coding change: c.61G>C on transcript NM_001004334.4 (MANE Select); coding-DNA position 61, G replaced by C.
Protein change: p.Val21Leu; replaces valine 21 with leucine.
Molecular consequence: missense variant.
Genome position (GRCh38, 1-based): chr17:38,343,729, C>G on the plus strand (G>C on the coding strand, the complement: GPR179 is on the minus strand). VCF-style: chr17-38343729-C-G. GRCh37 (hg19) VCF-style: chr17-36499612-C-G.
Other names: c.61G>C (NM_001004334.3); short protein forms V21L.
Identifiers: ClinVar variation 323044 (VCV000323044.40), dbSNP rs150616884, ClinGen allele CA10649177.

ClinVar aggregate classification (germline): Benign/Likely benign. Review status: criteria provided, multiple submitters, no conflicts (2 of 4 stars). 6 submissions from 6 submitters: Benign (1); Likely benign (4). 1 of the submissions does not count toward it. Last evaluated 2026-01-20.

Conditions:
GPR179-related disorder. Also called: GPR179-related condition.
Congenital stationary night blindness 1E. Also called: Night blindness, congenital stationary (complete), 1E, autosomal recessive. Identifiers: Orphanet 215, MedGen C3281215, MONDO:0013807, OMIM 614565.

Allele frequency attached by ClinVar (database versions not stated): gnomAD exomes 0.00034; ESP Exome Variant Server 0.00090; gnomAD 0.00115 and 0.00120; TOPMed 0.00118; 1000 Genomes Project 30x 0.00125; 1000 Genomes Project 0.00160.
gnomAD v4.1: 387 of 1,563,988 alleles (0.025%); highest among the groups gnomAD compares: African/African-American, 0.46%; 3 homozygotes.

Submissions (6):

Labcorp Genetics (formerly Invitae), Labcorp
Classification: Benign. Last evaluated: 2026-01-20. Review status: criteria provided, single submitter. Criteria: Invitae Variant Classification Sherloc (09022015). Collection method: clinical testing. Allele origin: germline.

Blueprint Genetics
Classification: Likely benign. Last evaluated: 2024-09-02. Review status: criteria provided, single submitter. Criteria: ACMG Guidelines, 2015. Collection method: clinical testing. Allele origin: germline.

CeGaT Center for Human Genetics Tuebingen
Classification: Likely benign. Last evaluated: 2023-02-01. Review status: criteria provided, single submitter. Criteria: CeGaT Center For Human Genetics Tuebingen Variant Classification Criteria Version 2. Collection method: clinical testing. Allele origin: germline. Affected: yes. Observed: 1 variant allele.
Comment: GPR179: BP4

Illumina Laboratory Services, Illumina
Classification: Likely benign for Congenital stationary night blindness 1E. Last evaluated: 2018-01-13. Review status: criteria provided, single submitter. Criteria: ICSL Variant Classification Criteria 13 December 2019. Collection method: clinical testing. Allele origin: germline.
Comment: This variant was observed in the ICSL laboratory as part of a predisposition screen in an ostensibly healthy population. It had not been previously curated by ICSL or reported in the Human Gene Mutation Database (HGMD: prior to June 1st, 2018), and was therefore a candidate for classification through an automated scoring system. Utilizing variant allele frequency, disease prevalence and penetrance estimates, and inheritance mode, an automated score was calculated to assess if this variant is too frequent to cause the disease. Based on the score and internal cut-off values, a variant classified as likely benign is not then subjected to further curation. The score for this variant resulted in a classification of likely benign for this disease.

Breakthrough Genomics
Classification: Likely benign. Review status: criteria provided, single submitter. Criteria: ACMG Guidelines, 2015. Collection method: not provided. Allele origin: germline. Inheritance: Autosomal recessive inheritance. Affected: yes.

PreventionGenetics, part of Exact Sciences
Classification: Likely benign for GPR179-related condition. Last evaluated: 2022-02-15. Review status: no assertion criteria provided. Collection method: clinical testing. Allele origin: germline. Not counted in ClinVar's aggregate classification.
Comment: This variant is classified as likely benign based on ACMG/AMP sequence variant interpretation guidelines (Richards et al. 2015 PMID: 25741868, with internal and published modifications).